The following is an entry in ClinVar:

NM_001365536.1(SCN9A):c.958G>T (p.Asp320Tyr)

Genes: SCN9A (sodium voltage-gated channel alpha subunit 9; minus strand), SCN1A-AS1 (SCN1A and SCN9A antisense RNA 1; plus strand). Cytogenetic location: 2q24.3.
Variant type: single nucleotide variant.
Coding change: c.958G>T on transcript NM_001365536.1 (MANE Select); coding-DNA position 958, G replaced by T.
Protein change: p.Asp320Tyr; replaces aspartic acid 320 with tyrosine.
Molecular consequence: missense variant. On other transcripts: non-coding transcript variant (1).
Genome position (GRCh38, 1-based): chr2:166,294,606, C>A on the plus strand (G>T on the coding strand, the complement: SCN9A is on the minus strand). VCF-style: chr2-166294606-C-A. GRCh37 (hg19) VCF-style: chr2-167151116-C-A.
Other names: c.958G>T, p.Asp320Tyr (NM_002977.4); short protein forms D320Y.
Identifiers: ClinVar variation 3758939 (VCV003758939.2).

ClinVar aggregate classification (germline): Uncertain significance (1 of 4 stars; one submission).

Conditions:
Neuropathy, hereditary sensory and autonomic, type 2A (HSAN2A). Also called: ACROOSTEOLYSIS, GIACCAI TYPE; ACROOSTEOLYSIS, NEUROGENIC; WNK1-Related HSAN2 (HSAN2A); MORVAN DISEASE; NEUROPATHY, CONGENITAL SENSORY; NEUROPATHY, HEREDITARY SENSORY RADICULAR, AUTOSOMAL RECESSIVE. Identifiers: Orphanet 970, MedGen C2752089, MONDO:0024309, OMIM 201300.
Generalized epilepsy with febrile seizures plus, type 7 (GEFSP7). Also called: GEFS+, TYPE 7. Identifiers: Orphanet 36387, MedGen C2751778, MONDO:0013470, OMIM 613863.

Submission:

Labcorp Genetics (formerly Invitae), Labcorp
Classification: Uncertain significance for Neuropathy, hereditary sensory and autonomic, type 2A; Generalized epilepsy with febrile seizures plus, type 7. Last evaluated: 2024-10-19. Review status: criteria provided, single submitter. Criteria: Invitae Variant Classification Sherloc (09022015). Collection method: clinical testing. Allele origin: germline.
Comment: This sequence change replaces aspartic acid, which is acidic and polar, with tyrosine, which is neutral and polar, at codon 320 of the SCN9A protein (p.Asp320Tyr). This variant is not present in population databases (gnomAD no frequency). This variant has not been reported in the literature in individuals affected with SCN9A-related conditions. Invitae Evidence Modeling of protein sequence and biophysical properties (such as structural, functional, and spatial information, amino acid conservation, physicochemical variation, residue mobility, and thermodynamic stability) indicates that this missense variant is not expected to disrupt SCN9A protein function with a negative predictive value of 95%. In summary, the available evidence is currently insufficient to determine the role of this variant in disease. Therefore, it has been classified as a Variant of Uncertain Significance.